The following is an entry in ClinVar:

NM_001378454.1(ALMS1):c.9926C>T (p.Ala3309Val)

Gene: ALMS1 (ALMS1 centrosome and basal body associated protein; plus strand). Cytogenetic location: 2p13.1.
Variant type: single nucleotide variant.
Coding change: c.9926C>T on transcript NM_001378454.1 (MANE Select); coding-DNA position 9926, C replaced by T.
Protein change: p.Ala3309Val; replaces alanine 3309 with valine.
Molecular consequence: missense variant.
Genome position (GRCh38, 1-based): chr2:73,550,285, C>T. VCF-style: chr2-73550285-C-T. GRCh37 (hg19) VCF-style: chr2-73777412-C-T.
Other names: c.9929C>T, p.Ala3310Val (NM_015120.4); short protein forms A3310V, A3309V.
Identifiers: ClinVar variation 3700274 (VCV003700274.2).

ClinVar aggregate classification (germline): Uncertain significance (1 of 4 stars; one submission).

Conditions:
Alstrom syndrome (ALMS). Identifiers: Orphanet 64, MedGen C0268425, MONDO:0008763, OMIM 203800.

gnomAD v4.1: 3 of 1,614,002 alleles (0.00019%); highest among the groups gnomAD compares: African/African-American, 0.0027%; no homozygotes.

Submission:

Labcorp Genetics (formerly Invitae), Labcorp
Classification: Uncertain significance for Alstrom syndrome. Last evaluated: 2024-05-08. Review status: criteria provided, single submitter. Criteria: Invitae Variant Classification Sherloc (09022015). Collection method: clinical testing. Allele origin: germline.
Comment: This sequence change replaces alanine, which is neutral and non-polar, with valine, which is neutral and non-polar, at codon 3310 of the ALMS1 protein (p.Ala3310Val). This variant is present in population databases (no rsID available, gnomAD 0.007%). This variant has not been reported in the literature in individuals affected with ALMS1-related conditions. Experimental studies and prediction algorithms are not available or were not evaluated, and the functional significance of this variant is currently unknown. In summary, the available evidence is currently insufficient to determine the role of this variant in disease. Therefore, it has been classified as a Variant of Uncertain Significance.